The following is an entry in ClinVar:

NM_004793.4(LONP1):c.1412dup (p.Lys472fs)

Gene: LONP1 (lon peptidase 1, mitochondrial; minus strand). Cytogenetic location: 19p13.3.
Variant type: Duplication.
Coding change: c.1412dup on transcript NM_004793.4 (MANE Select); coding-DNA position 1412, one base duplicated (G; older notation c.1412dupG).
Protein change: p.Lys472fs; shifts the reading frame from lysine 472.
Molecular consequence: frameshift variant. On other transcripts: non-coding transcript variant (1).
Genome position (GRCh38, 1-based): chr19:5,700,883, C duplicated on the plus strand (G on the coding strand, the reverse complement: LONP1 is on the minus strand); the first of 4 consecutive C bases (chr19:5,700,883-5,700,886); duplicating any one gives the same sequence. VCF-style (leftmost placement, unchanged base first): chr19-5700882-G-GC. GRCh37 (hg19) VCF-style: chr19-5700893-G-GC.
Other names: c.1220dup, p.Lys408fs (NM_001276479.2); c.824dup, p.Lys276fs (NM_001276480.1); short protein forms K276fs, K408fs, K472fs.
Identifiers: ClinVar variation 4819702 (VCV004819702.1).

ClinVar aggregate classification (germline): Pathogenic (1 of 4 stars; one submission).

Conditions:
Fetal anomalies with a likely genetic cause.

Submission:

Genetics Laboratory, Great Ormond Street Hospital NHS Foundation Trust, North Thames Genomic Laboratory Hub
Classification: Pathogenic for Fetal anomalies with a likely genetic cause. Last evaluated: 2026-02-08. Review status: criteria provided, single submitter. Criteria: ACGS Best Practice Guidelines for Variant Classification in Rare Disease 2024 v1.2. Collection method: clinical testing. Allele origin: germline. Affected: yes.
Comment: PM2_moderate, PVS1_very-strong